The following is an entry in ClinVar:

ClinVar aggregate classification (germline): Pathogenic (1 of 4 stars; one submission).

Conditions:
Kabuki syndrome 2 (KABUK2). Also called: KDM6A-Related Kabuki Syndrome. Identifiers: Orphanet 2322, MedGen C3275495, MONDO:0010465, OMIM 300867.

Submission:

Laboratory of Medical Genetics, National & Kapodistrian University of Athens
Classification: Pathogenic for Kabuki syndrome 2. Last evaluated: 2018-09-14. Review status: criteria provided, single submitter. Criteria: ACMG Guidelines, 2015. Collection method: clinical testing. Allele origin: de novo. Affected: yes.
Comment: PVS1, PM2, PP4

NM_001291415.2(KDM6A):c.2802_2803dup (p.Pro935fs)

Gene: KDM6A (lysine demethylase 6A; plus strand). Cytogenetic location: Xp11.3.
Variant type: Duplication.
Coding change: c.2802_2803dup on transcript NM_001291415.2 (MANE Select); coding-DNA positions 2802 to 2803, 2 bases duplicated (AC; older notation c.2802_2803dupAC).
Protein change: p.Pro935fs; shifts the reading frame from proline 935.
Molecular consequence: frameshift variant. On other transcripts: non-coding transcript variant (1).
Genome position (GRCh38, 1-based): chrX:45,070,301-45,070,302, AC duplicated. VCF-style (leftmost placement, unchanged base first): chrX-45070300-T-TAC. GRCh37 (hg19) VCF-style: chrX-44929545-T-TAC.
Other names: c.2667_2668dup, p.Pro890fs (NM_001291416.2); c.2511_2512dup, p.Pro838fs (NM_001291417.2); c.2409_2410dup, p.Pro804fs (NM_001291418.2); c.1758_1759dup, p.Pro587fs (NM_001291421.2); c.2646_2647dup, p.Pro883fs (NM_021140.4); short protein forms P883fs, P587fs, P804fs, P838fs, P890fs, P935fs.
Identifiers: ClinVar variation 637050 (VCV000637050.1), dbSNP rs1602868720, ClinGen allele CA915950954.